The following is an entry in ClinVar:

ClinVar aggregate classification (germline): Uncertain significance (1 of 4 stars; one submission).

Conditions:
Retinitis pigmentosa 71 (RP71). Identifiers: Orphanet 791, MedGen C4225342, MONDO:0014618, OMIM 616394.
Short-rib thoracic dysplasia 10 with or without polydactyly (SRTD10). Identifiers: Orphanet 474, MedGen C3810175, MONDO:0014284, OMIM 615630.

Allele frequency attached by ClinVar (database versions not stated): TOPMed below 0.00001.

Submission:

Labcorp Genetics (formerly Invitae), Labcorp
Classification: Uncertain significance for Retinitis pigmentosa 71; Short-rib thoracic dysplasia 10 with or without polydactyly. Last evaluated: 2022-09-01. Review status: criteria provided, single submitter. Criteria: Invitae Variant Classification Sherloc (09022015). Collection method: clinical testing. Allele origin: germline.
Comment: This variant has not been reported in the literature in individuals affected with IFT172-related conditions. This variant is not present in population databases (gnomAD no frequency). This sequence change replaces glutamine, which is neutral and polar, with histidine, which is basic and polar, at codon 683 of the IFT172 protein (p.Gln683His). ClinVar contains an entry for this variant (Variation ID: 1391967). In summary, the available evidence is currently insufficient to determine the role of this variant in disease. Therefore, it has been classified as a Variant of Uncertain Significance. Algorithms developed to predict the effect of missense changes on protein structure and function (SIFT, PolyPhen-2, Align-GVGD) all suggest that this variant is likely to be tolerated.

NM_015662.3(IFT172):c.2049G>C (p.Gln683His)

Gene: IFT172 (intraflagellar transport 172; minus strand). Cytogenetic location: 2p23.3.
Variant type: single nucleotide variant.
Coding change: c.2049G>C on transcript NM_015662.3 (MANE Select); coding-DNA position 2049, G replaced by C.
Protein change: p.Gln683His; replaces glutamine 683 with histidine.
Molecular consequence: missense variant.
Genome position (GRCh38, 1-based): chr2:27,462,767, C>G on the plus strand (G>C on the coding strand, the complement: IFT172 is on the minus strand). VCF-style: chr2-27462767-C-G. GRCh37 (hg19) VCF-style: chr2-27685634-C-G.
Other names: short protein forms Q683H.
Identifiers: ClinVar variation 1391967 (VCV001391967.6), dbSNP rs780709991, ClinGen allele CA346385161.
Genomic context (GRCh38, chr2:27,462,767, plus strand): 5'-CAAAAAGATCATTTCAGCCAGTTTGTAGTTCTTTTCCAGCATGGCTAGACGTGCTCGGAC[C>G]TGATAAAAGTCTGTTCCTTCTCCGCCCTGTGGGGGAAAAAGGAGGTTCTGATTTTTCTGT-3'
Protein context (NP_056477.1, residues 673-693): EYGGEGTDFY[Gln683His]VRARLAMLEK